The following is an entry in ClinVar:

ClinVar aggregate classification (germline): Benign/Likely benign. Review status: criteria provided, multiple submitters, no conflicts (2 of 4 stars). 6 submissions from 6 submitters: Benign (4); Likely benign (1). 1 of the submissions does not count toward it. Last evaluated 2026-02-04.

Conditions:
Dubin-Johnson syndrome (DJS). Also called: HYPERBILIRUBINEMIA, DUBIN-JOHNSON TYPE; Jaundice, Chronic Idiopathic; Hyperbilirubinemia type 2. Identifiers: Orphanet 234, MedGen C0022350, MONDO:0009380, OMIM 237500.
ABCC2-related disorder. Also called: ABCC2-related condition.

Allele frequency attached by ClinVar (database versions not stated): ExAC 0.05238; gnomAD exomes 0.05276 and 0.05556; 1000 Genomes Project 0.06789; 1000 Genomes Project 30x 0.06886; gnomAD 0.08285 and 0.08637; TOPMed 0.09165; ESP Exome Variant Server 0.09419.
gnomAD v4.1: 94,496 of 1,613,856 alleles (5.9%); highest among the groups gnomAD compares: African/African-American, 16%; 3,546 homozygotes.

Submissions (6):

Labcorp Genetics (formerly Invitae), Labcorp
Classification: Benign. Last evaluated: 2026-02-04. Review status: criteria provided, single submitter. Criteria: Invitae Variant Classification Sherloc (09022015). Collection method: clinical testing. Allele origin: germline.

Mayo Clinic Laboratories, Mayo Clinic
Classification: Likely benign. Last evaluated: 2025-10-03. Review status: criteria provided, single submitter. Criteria: ACMG Guidelines, 2015. Collection method: clinical testing. Allele origin: germline. Observed: 62 variant alleles.
Comment: BA1, BP4

GeneDx
Classification: Benign. Last evaluated: 2018-11-10. Review status: criteria provided, single submitter. Criteria: GeneDx Variant Classification Process June 2021. Collection method: clinical testing. Allele origin: germline. Affected: yes.
Comment: This variant is associated with the following publications: (PMID: 25087612, 18926681, 22027652)

Illumina Laboratory Services, Illumina
Classification: Benign for Dubin-Johnson syndrome. Last evaluated: 2018-03-06. Review status: criteria provided, single submitter. Criteria: ICSL Variant Classification Criteria 13 December 2019. Collection method: clinical testing. Allele origin: germline.
Comment: This variant was observed in the ICSL laboratory as part of a predisposition screen in an ostensibly healthy population. It had not been previously curated by ICSL or reported in the Human Gene Mutation Database (HGMD: prior to June 1st, 2018), and was therefore a candidate for classification through an automated scoring system. Utilizing variant allele frequency, disease prevalence and penetrance estimates, and inheritance mode, an automated score was calculated to assess if this variant is too frequent to cause the disease. Based on the score and internal cut-off values, a variant classified as benign is not then subjected to further curation. The score for this variant resulted in a classification of benign for this disease.

Breakthrough Genomics
Classification: Benign. Review status: criteria provided, single submitter. Criteria: ACMG Guidelines, 2015. Collection method: not provided. Allele origin: germline. Inheritance: Autosomal recessive inheritance. Affected: yes.

PreventionGenetics, part of Exact Sciences
Classification: Benign for ABCC2-related condition. Last evaluated: 2024-03-06. Review status: no assertion criteria provided. Collection method: clinical testing. Allele origin: germline. Not counted in ClinVar's aggregate classification.
Comment: This variant is classified as benign based on ACMG/AMP sequence variant interpretation guidelines (Richards et al. 2015 PMID: 25741868, with internal and published modifications).

Literature cited by the submitters: PubMed 33323685 (cited by Mayo Clinic Laboratories, Mayo Clinic); PubMed 33555168 (cited by Mayo Clinic Laboratories, Mayo Clinic).

NM_000392.5(ABCC2):c.4544G>A (p.Cys1515Tyr)

Gene: ABCC2 (ATP binding cassette subfamily C member 2; plus strand). Cytogenetic location: 10q24.2.
Variant type: single nucleotide variant.
Coding change: c.4544G>A on transcript NM_000392.5 (MANE Select); coding-DNA position 4544, G replaced by A.
Protein change: p.Cys1515Tyr; replaces cysteine 1515 with tyrosine.
Molecular consequence: missense variant.
Genome position (GRCh38, 1-based): chr10:99,851,537, G>A. VCF-style: chr10-99851537-G-A. GRCh37 (hg19) VCF-style: chr10-101611294-G-A.
Other names: c.4544G>A, p.Cys1515Tyr (LRG_1208t1); short protein forms C1515Y.
Identifiers: ClinVar variation 298481 (VCV000298481.14), dbSNP rs8187710, ClinGen allele CA5644184.